The following is an entry in ClinVar:

ClinVar aggregate classification (germline): Uncertain significance (1 of 4 stars; one submission).

Conditions:
Immunodeficiency. Identifiers: MedGen C0021051, MONDO:0021094, HP:0002721.

Submission:

Labcorp Genetics (formerly Invitae), Labcorp
Classification: Uncertain significance for Immunodeficiency. Last evaluated: 2024-08-01. Review status: criteria provided, single submitter. Criteria: Invitae Variant Classification Sherloc (09022015). Collection method: clinical testing. Allele origin: germline.
Comment: This sequence change replaces glutamine, which is neutral and polar, with arginine, which is basic and polar, at codon 934 of the NFAT5 protein (p.Gln934Arg). This variant is not present in population databases (gnomAD no frequency). This variant has not been reported in the literature in individuals affected with NFAT5-related conditions. An algorithm developed to predict the effect of missense changes on protein structure and function (PolyPhen-2) suggests that this variant is likely to be tolerated. In summary, the available evidence is currently insufficient to determine the role of this variant in disease. Therefore, it has been classified as a Variant of Uncertain Significance.

NM_138713.4(NFAT5):c.3083A>G (p.Gln1028Arg)

Gene: NFAT5 (nuclear factor of activated T cells 5; plus strand). Cytogenetic location: 16q22.1.
Variant type: single nucleotide variant.
Coding change: c.3083A>G on transcript NM_138713.4 (MANE Select); coding-DNA position 3083, A replaced by G.
Protein change: p.Gln1028Arg; replaces glutamine 1028 with arginine.
Molecular consequence: missense variant.
Genome position (GRCh38, 1-based): chr16:69,692,908, A>G. VCF-style: chr16-69692908-A-G. GRCh37 (hg19) VCF-style: chr16-69726811-A-G.
Other names: c.3080A>G, p.Gln1027Arg (NM_001113178.3); c.2408A>G, p.Gln803Arg (NM_001367709.1); c.3029A>G, p.Gln1010Arg (NM_006599.4); c.2801A>G, p.Gln934Arg (NM_138714.4, NM_173214.3, NM_173215.3); short protein forms Q1027R, Q1010R, Q803R, Q1028R, Q934R.
Identifiers: ClinVar variation 3660989 (VCV003660989.2).
Genomic context (GRCh38, chr16:69,692,908, plus strand): 5'-GAGAAGAAACTGGAACACAAGCAAAACAGATTCAGAACAGTGTCTTTCAGACCATGGTCC[A>G]AATGCAACATAGTGGGGACAATCAACCTCAAGTTAACCTTTTTTCATCCACAAAAAGTAT-3'
Protein context (NP_619727.2, residues 1018-1038): IQNSVFQTMV[Gln1028Arg]MQHSGDNQPQ